The following is an entry in ClinVar:

ClinVar aggregate classification (germline): Conflicting classifications of pathogenicity. Review status: criteria provided, conflicting classifications (1 of 4 stars). 7 submissions from 7 submitters: Uncertain significance (1); Benign (2); Likely benign (3). 1 of the submissions does not count toward it. Last evaluated 2025-11-04.

Conditions:
TSC2-related disorder. Also called: TSC2-Related Disorders; TSC2-related condition.
Tuberous sclerosis syndrome (TSC). Also called: Tuberous Sclerosis Complex; Tuberous sclerosis. Identifiers: Orphanet 805, MedGen C0041341, MONDO:0001734.
Hereditary cancer-predisposing syndrome. Also called: Tumor predisposition; Hereditary Cancer Syndrome; Hereditary neoplastic syndrome; Neoplastic Syndromes, Hereditary. Identifiers: Orphanet 140162, MedGen C0027672, MeSH D009386, MONDO:0015356.
Tuberous sclerosis 2 (TSC2). Identifiers: Orphanet 805, MedGen C1860707, MONDO:0013199, OMIM 613254.

Allele frequency attached by ClinVar (database versions not stated): ExAC below 0.00001; gnomAD exomes 0.00002 and 0.00001; TOPMed below 0.00001; gnomAD 0.00001.
gnomAD v4.1: 12 of 1,577,648 alleles (0.00076%); highest among the groups gnomAD compares: Admixed American, 0.0092%; no homozygotes.

Submissions (7):

Labcorp Genetics (formerly Invitae), Labcorp
Classification: Benign for Tuberous sclerosis 2. Last evaluated: 2025-11-04. Review status: criteria provided, single submitter. Criteria: Invitae Variant Classification Sherloc (09022015). Collection method: clinical testing. Allele origin: germline.

Myriad Genetics, Inc.
Classification: Likely benign for Tuberous sclerosis 2. Last evaluated: 2025-05-12. Review status: criteria provided, single submitter. Criteria: Myriad Autosomal Dominant, Autosomal Recessive and X-Linked Classification Criteria (2023). Collection method: clinical testing. Allele origin: unknown.
Comment: This variant is considered likely benign. This variant is intronic and is not expected to impact mRNA splicing.

Ambry Genetics
Classification: Likely benign for Hereditary cancer-predisposing syndrome. Last evaluated: 2024-08-11. Review status: criteria provided, single submitter. Criteria: Ambry Variant Classification Scheme 2023. Collection method: clinical testing. Allele origin: germline.

All of Us Research Program, National Institutes of Health
Classification: Uncertain significance for Tuberous sclerosis syndrome. Last evaluated: 2023-04-27. Review status: criteria provided, single submitter. Criteria: ACMG Guidelines, 2015. Collection method: clinical testing. Allele origin: germline. Inheritance: Autosomal dominant inheritance. Observed: 1 variant allele, 1 heterozygote.
Comment: This study involves interpretation of variants in research participants for the purpose of population health screening. Participant phenotype was not available at the time of variant classification. Additional details can be found in publication PMID: 35346344, PMCID: PMC8962531

Color Diagnostics, LLC DBA Color Health
Classification: Likely benign for Tuberous sclerosis syndrome. Last evaluated: 2022-09-22. Review status: criteria provided, single submitter. Criteria: ACMG Guidelines, 2015. Collection method: clinical testing. Allele origin: germline.

Genome-Nilou Lab
Classification: Benign for Tuberous sclerosis 2. Last evaluated: 2021-11-07. Review status: criteria provided, single submitter. Criteria: ACMG Guidelines, 2015. Collection method: clinical testing. Allele origin: germline. Affected: no.

PreventionGenetics, part of Exact Sciences
Classification: Likely benign for TSC2-related condition. Last evaluated: 2020-08-25. Review status: no assertion criteria provided. Collection method: clinical testing. Allele origin: germline. Not counted in ClinVar's aggregate classification.
Comment: This variant is classified as likely benign based on ACMG/AMP sequence variant interpretation guidelines (Richards et al. 2015 PMID: 25741868, with internal and published modifications).

NM_000548.5(TSC2):c.849-4T>C

Gene: TSC2 (TSC complex subunit 2; plus strand). Cytogenetic location: 16p13.3.
Variant type: single nucleotide variant.
Coding change: c.849-4T>C on transcript NM_000548.5 (MANE Select); 4 bases into the intron before coding-DNA position 849, T replaced by C.
Molecular consequence: intron variant.
Genome position (GRCh38, 1-based): chr16:2,058,743, T>C. VCF-style: chr16-2058743-T-C. GRCh37 (hg19) VCF-style: chr16-2108744-T-C.
Other names: c.849-4T>C (NM_001114382.3, NM_021055.3, NM_001370405.1 and 4 more transcripts); c.738-4T>C (NM_001318827.2); c.249-4T>C (NM_001318831.2); c.702-4T>C (NM_001318829.2); c.882-4T>C (NM_001318832.2).
Identifiers: ClinVar variation 234027 (VCV000234027.23), dbSNP rs752614339, ClinGen allele CA056565.